The following is an entry in ClinVar:

ClinVar aggregate classification (germline): Conflicting classifications of pathogenicity. Review status: criteria provided, conflicting classifications (1 of 4 stars). 2 submissions from 2 submitters: Uncertain significance (1); Likely benign (1). Last evaluated 2025-03-19.

Conditions:
Cardiovascular phenotype. Identifiers: MedGen CN230736.
Brugada syndrome. Also called: Sudden unexpected nocturnal death syndrome; Sudden Unexplained Death Syndrome; Sudden Unexplained Nocturnal Death Syndrome (SUNDS); Sudden unexplained nocturnal death syndrome. Identifiers: Orphanet 130, MedGen C1142166, MONDO:0015263.

Allele frequency attached by ClinVar (database versions not stated): gnomAD exomes 0.00001; ExAC 0.00001.
gnomAD v4.1: 8 of 1,611,008 alleles (0.0005%); highest among the groups gnomAD compares: Non-Finnish European, 0.00068%; no homozygotes.

Submissions (2):

Labcorp Genetics (formerly Invitae), Labcorp
Classification: Likely benign for Brugada syndrome. Last evaluated: 2025-03-19. Review status: criteria provided, single submitter. Criteria: Invitae Variant Classification Sherloc (09022015). Collection method: clinical testing. Allele origin: germline.

Ambry Genetics
Classification: Uncertain significance for Cardiovascular phenotype. Last evaluated: 2024-11-14. Review status: criteria provided, single submitter. Criteria: Ambry Variant Classification Scheme 2023. Collection method: clinical testing. Allele origin: germline.
Comment: The c.2655C>T variant (also known as p.F885F), located in coding exon 16 of the SCN10A gene, results from a C to T substitution at nucleotide position 2655. This nucleotide substitution does not change the amino acid at codon 885. This nucleotide position is well conserved in available vertebrate species. In silico splice site analysis for this alteration is inconclusive. The evidence for this gene-disease relationship is limited; therefore, the clinical significance of this alteration is unclear.

NM_006514.4(SCN10A):c.2655C>T (p.Phe885=)

Gene: SCN10A (sodium voltage-gated channel alpha subunit 10; minus strand). Cytogenetic location: 3p22.2.
Variant type: single nucleotide variant.
Coding change: c.2655C>T on transcript NM_006514.4 (MANE Select); coding-DNA position 2655, C replaced by T.
Protein change: p.Phe885=; no amino-acid change (phenylalanine 885 retained).
Molecular consequence: synonymous variant.
Genome position (GRCh38, 1-based): chr3:38,727,038, G>A on the plus strand (C>T on the coding strand, the complement: SCN10A is on the minus strand). VCF-style: chr3-38727038-G-A. GRCh37 (hg19) VCF-style: chr3-38768529-G-A.
Other names: c.2655C>T, p.Phe885= (NM_001293306.2); c.2361C>T, p.Phe787= (NM_001293307.2).
Identifiers: ClinVar variation 1159497 (VCV001159497.10), dbSNP rs755345820, ClinGen allele CA2320463.